The following is an entry in ClinVar:

NM_001374353.1(GLI2):c.2948C>T (p.Pro983Leu)

Gene: GLI2 (GLI family zinc finger 2; plus strand). Cytogenetic location: 2q14.2.
Variant type: single nucleotide variant.
Coding change: c.2948C>T on transcript NM_001374353.1 (MANE Select); coding-DNA position 2948, C replaced by T.
Protein change: p.Pro983Leu; replaces proline 983 with leucine.
Molecular consequence: missense variant.
Genome position (GRCh38, 1-based): chr2:120,988,913, C>T. VCF-style: chr2-120988913-C-T. GRCh37 (hg19) VCF-style: chr2-121746489-C-T.
Other names: c.2999C>T, p.Pro1000Leu (NM_001371271.1, NM_005270.5); c.2573C>T, p.Pro858Leu (NM_001374354.1); short protein forms P1000L, P858L, P983L.
Identifiers: ClinVar variation 1303720 (VCV001303720.2), dbSNP rs1348680961, ClinGen allele CA348170734.
Genomic context (GRCh38, chr2:120,988,913, plus strand): 5'-CCCTGCCGCGGGTGCAGCGCTTCCACAGCACCCACAACGTGAACCCCGGCCCGCTGCCGC[C>T]CTGTGCCGACAGGCGAGGCCTCCGCCTGCAGAGCCACCCGAGCACCGACGGCGGCCTGGC-3'
Protein context (NP_001361282.1, residues 973-993): THNVNPGPLP[Pro983Leu]CADRRGLRLQ

ClinVar aggregate classification (germline): Uncertain significance (1 of 4 stars; one submission).

Allele frequency attached by ClinVar (database versions not stated): TOPMed below 0.00001; gnomAD exomes 0.00001.
gnomAD v4.1: 13 of 1,517,790 alleles (0.00086%); highest among the groups gnomAD compares: Non-Finnish European, 0.0011%; no homozygotes.

Submission:

GeneDx
Classification: Uncertain significance. Last evaluated: 2021-01-13. Review status: criteria provided, single submitter. Criteria: GeneDx Variant Classification Process June 2021. Collection method: clinical testing. Allele origin: germline. Affected: yes.
Comment: Not observed at a significant frequency in large population cohorts (Lek et al., 2016); In silico analysis supports that this missense variant has a deleterious effect on protein structure/function; Has not been previously published as pathogenic or benign to our knowledge